The following is an entry in ClinVar:

ClinVar aggregate classification (germline): Uncertain significance. Review status: criteria provided, multiple submitters, no conflicts (2 of 4 stars). 2 submissions from 2 submitters: Uncertain significance (2). Last evaluated 2025-01-02.

Allele frequency attached by ClinVar (database versions not stated): gnomAD 0.00001; ExAC 0.00002; gnomAD exomes 0.00002; TOPMed 0.00002; 1000 Genomes Project 30x 0.00016; 1000 Genomes Project 0.00020.
gnomAD v4.1: 35 of 1,612,172 alleles (0.0022%); highest among the groups gnomAD compares: Admixed American, 0.0033%; no homozygotes.

Submissions (2):

GeneDx
Classification: Uncertain significance. Last evaluated: 2025-01-02. Review status: criteria provided, single submitter. Criteria: GeneDx Variant Classification Process June 2021. Collection method: clinical testing. Allele origin: germline. Affected: yes.
Comment: Not observed at significant frequency in large population cohorts (gnomAD); Missense variant in a gene in which most reported pathogenic variants are truncating/loss of function; Has not been previously published as pathogenic or benign to our knowledge

CeGaT Center for Human Genetics Tuebingen
Classification: Uncertain significance. Last evaluated: 2024-01-01. Review status: criteria provided, single submitter. Criteria: CeGaT Center For Human Genetics Tuebingen Variant Classification Criteria Version 2. Collection method: clinical testing. Allele origin: germline. Affected: yes. Observed: 1 variant allele.
Comment: TTN: PM2

NM_001267550.2(TTN):c.48257C>T (p.Pro16086Leu)

Genes: TTN (titin; minus strand), TTN-AS1 (TTN antisense RNA 1; plus strand). Cytogenetic location: 2q31.2.
Variant type: single nucleotide variant.
Coding change: c.48257C>T on transcript NM_001267550.2 (MANE Select); coding-DNA position 48257, C replaced by T.
Protein change: p.Pro16086Leu; replaces proline 16086 with leucine.
Molecular consequence: missense variant.
Genome position (GRCh38, 1-based): chr2:178,616,534, G>A on the plus strand (C>T on the coding strand, the complement: TTN is on the minus strand). VCF-style: chr2-178616534-G-A. GRCh37 (hg19) VCF-style: chr2-179481261-G-A.
Other names: c.43334C>T, p.Pro14445Leu (NM_001256850.1); c.21062C>T, p.Pro7021Leu (NM_003319.4); c.40553C>T, p.Pro13518Leu (NM_133378.4); c.21437C>T, p.Pro7146Leu (NM_133432.3); c.21638C>T, p.Pro7213Leu (NM_133437.4); short protein forms P13518L, P14445L, P16086L, P7021L, P7146L, P7213L.
Identifiers: ClinVar variation 3025662 (VCV003025662.22), dbSNP rs567496224, ClinGen allele CA1994881.